The following is an entry in ClinVar:

ClinVar aggregate classification (germline): Uncertain significance (1 of 4 stars; one submission).

Conditions:
Metaphyseal chondrodysplasia, Schmid type (MCDS). Also called: SPONDYLOMETAPHYSEAL DYSPLASIA, JAPANESE TYPE. Identifiers: Orphanet 174, MedGen C0265289, MONDO:0007983, OMIM 156500.

Submission:

Juno Genomics, Hangzhou Juno Genomics, Inc
Classification: Uncertain significance for Metaphyseal chondrodysplasia, Schmid type. Review status: criteria provided, single submitter. Criteria: ACMG Guidelines, 2015. Collection method: clinical testing. Allele origin: germline. Affected: yes.
Comment: Absent from controls (or at extremely low frequency if recessive) in Genome Aggregation Database, Exome Sequencing Project, 1000 Genomes Project, or Exome Aggregation Consortium.;Located in a mutational hot spot and/or critical and well-established functional domain (e.g. active site of an enzyme) without benign variation.

NM_000493.4(COL10A1):c.1859_1860del (p.Pro620fs)

Genes: COL10A1 (collagen type X alpha 1 chain; minus strand), NT5DC1 (5'-nucleotidase domain containing 1; plus strand). Cytogenetic location: 6q22.1.
Variant type: Deletion.
Coding change: c.1859_1860del on transcript NM_000493.4 (MANE Select); coding-DNA positions 1859 to 1860, 2 bases deleted (CT; older notation c.1859_1860delCT).
Protein change: p.Pro620fs; shifts the reading frame from proline 620.
Molecular consequence: frameshift variant. On other transcripts: intron variant (1).
Genome position (GRCh38, 1-based): chr6:116,120,256-116,120,257, AG deleted on the plus strand (CT on the coding strand, the reverse complement: COL10A1 is on the minus strand). VCF-style (leftmost placement, unchanged base first): chr6-116120255-CAG-C. GRCh37 (hg19) VCF-style: chr6-116441418-CAG-C.
Other names: c.1859_1860del, p.Pro620fs (NM_001424106.1, NM_001424107.1); c.529+2311_529+2312del (NM_152729.3); short protein forms P620fs.
Identifiers: ClinVar variation 3382112 (VCV003382112.2).